The following is an entry in ClinVar:

NM_000075.4(CDK4):c.*491C>T

Genes: CDK4 (cyclin dependent kinase 4; minus strand), TSPAN31 (tetraspanin 31; plus strand). Cytogenetic location: 12q14.1.
Variant type: single nucleotide variant.
Coding change: c.*491C>T on transcript NM_000075.4 (MANE Select); 491 bases downstream of the stop codon, C replaced by T.
Molecular consequence: 3 prime UTR variant.
Genome position (GRCh38, 1-based): chr12:57,748,034, G>A on the plus strand (C>T on the coding strand, the complement: CDK4 is on the minus strand). VCF-style: chr12-57748034-G-A. GRCh37 (hg19) VCF-style: chr12-58141817-G-A.
Other names: c.*744G>A (NM_001330168.2, NM_001330169.2, NM_005981.5).
Identifiers: ClinVar variation 309969 (VCV000309969.5), dbSNP rs112275916, ClinGen allele CA10633351.

ClinVar aggregate classification (germline): Benign (1 of 4 stars; one submission).

Conditions:
Melanoma, cutaneous malignant, susceptibility to, 3. Also called: Cutaneous malignant melanoma 3. Identifiers: Orphanet 618, MedGen C1836892, MONDO:0012183, OMIM 609048.

Allele frequency attached by ClinVar (database versions not stated): gnomAD 0.02436 and 0.02614; 1000 Genomes Project 0.02556; 1000 Genomes Project 30x 0.02655; TOPMed 0.02775.
gnomAD v4.1: 4,138 of 249,134 alleles (1.7%); highest among the groups gnomAD compares: African/African-American, 8.1%; 156 homozygotes.

Submission:

Illumina Laboratory Services, Illumina
Classification: Benign for Melanoma, cutaneous malignant, susceptibility to, 3. Last evaluated: 2018-01-12. Review status: criteria provided, single submitter. Criteria: ICSL Variant Classification Criteria 13 December 2019. Collection method: clinical testing. Allele origin: germline.
Comment: This variant was observed in the ICSL laboratory as part of a predisposition screen in an ostensibly healthy population. It had not been previously curated by ICSL or reported in the Human Gene Mutation Database (HGMD: prior to June 1st, 2018), and was therefore a candidate for classification through an automated scoring system. Utilizing variant allele frequency, disease prevalence and penetrance estimates, and inheritance mode, an automated score was calculated to assess if this variant is too frequent to cause the disease. Based on the score and internal cut-off values, a variant classified as benign is not then subjected to further curation. The score for this variant resulted in a classification of benign for this disease.